The following is an entry in ClinVar:

ClinVar aggregate classification (germline): Uncertain significance (1 of 4 stars; one submission).

Conditions:
Hypertrophic cardiomyopathy. Also called: HYPERTROPHIC MYOCARDIOPATHY. Identifiers: Orphanet 217569, MedGen C0007194, MeSH D002312, MONDO:0005045, HP:0001639.

Submission:

Labcorp Genetics (formerly Invitae), Labcorp
Classification: Uncertain significance for Hypertrophic cardiomyopathy. Last evaluated: 2022-10-24. Review status: criteria provided, single submitter. Criteria: Invitae Variant Classification Sherloc (09022015). Collection method: clinical testing. Allele origin: germline.
Comment: This variant has not been reported in the literature in individuals affected with MYH7-related conditions. This variant is not present in population databases (gnomAD no frequency). This sequence change replaces alanine, which is neutral and non-polar, with valine, which is neutral and non-polar, at codon 335 of the MYH7 protein (p.Ala335Val). Advanced modeling of protein sequence and biophysical properties (such as structural, functional, and spatial information, amino acid conservation, physicochemical variation, residue mobility, and thermodynamic stability) performed at Invitae indicates that this missense variant is expected to disrupt MYH7 protein function. In summary, the available evidence is currently insufficient to determine the role of this variant in disease. Therefore, it has been classified as a Variant of Uncertain Significance.

NM_000257.4(MYH7):c.1004C>T (p.Ala335Val)

Gene: MYH7 (myosin heavy chain 7; minus strand). Cytogenetic location: 14q11.2.
Variant type: single nucleotide variant.
Coding change: c.1004C>T on transcript NM_000257.4 (MANE Select); coding-DNA position 1004, C replaced by T.
Protein change: p.Ala335Val; replaces alanine 335 with valine.
Molecular consequence: missense variant.
Genome position (GRCh38, 1-based): chr14:23,429,909, G>A on the plus strand (C>T on the coding strand, the complement: MYH7 is on the minus strand). VCF-style: chr14-23429909-G-A. GRCh37 (hg19) VCF-style: chr14-23899118-G-A.
Other names: c.1004C>T, p.Ala335Val (NM_001407004.1); short protein forms A335V.
Identifiers: ClinVar variation 2124894 (VCV002124894.4), dbSNP rs2502305822, ClinGen allele CA389051565.